The following is an entry in ClinVar:

ClinVar aggregate classification (germline): Conflicting classifications of pathogenicity. Review status: criteria provided, conflicting classifications (1 of 4 stars). 12 submissions from 10 submitters: Pathogenic (7); Likely pathogenic (1); Uncertain significance (1). 3 of the submissions do not count toward it. Last evaluated 2025-04-08.

Conditions:
Inborn genetic diseases. Identifiers: MedGen C0950123, MeSH D030342.
Developmental and epileptic encephalopathy 104 (DEE104). Identifiers: MedGen C5774183, MONDO:0031021, OMIM 619970.
Intellectual disability. Also called: Intellectual developmental disorder; Intellectual functioning disability; intellectual disabilities. Identifiers: MedGen C3714756, MeSH D008607, MONDO:0001071, HP:0001249.
Severe global developmental delay. Also called: Severe psychomotor retardation. Identifiers: MedGen C1837397, HP:0011344.
Lower limb spasticity. Identifiers: MedGen C1271100, HP:0002061.
Cerebellar ataxia. Identifiers: Orphanet 102002, MedGen C0007758, MONDO:0000437.
Focal-onset seizure. Also called: Focal seizures. Identifiers: MedGen C0751495, HP:0007359.
Autism (AUTS). Also called: Autistic disorder; Autistic disorder of childhood onset. Identifiers: MedGen C0004352, MeSH D001321, MONDO:0005260, OMIM 209850, HP:0000717.
Microcephaly. Also called: Microcephaly (disease). Identifiers: MedGen C4551563, MONDO:0001149, HP:0000252.
Seizure. Also called: Seizures. Identifiers: MedGen C0036572, HP:0001250.
Large for gestational age. Identifiers: MedGen C1848395, HP:0001520.
Hypotonia. Also called: poor muscle tone; Muscular hypotonia. Identifiers: MedGen C0026827, HP:0001252.
Global developmental delay (DD). Also called: Cognitive delay. Identifiers: MedGen C0557874, HP:0001263. Disease mechanism: loss of function.
ATP6V0A1-related disorders.
ATP6V0A1-related condition.

Submissions (12):

PreventionGenetics, part of Exact Sciences
Classification: Pathogenic for ATP6V0A1-related condition. Last evaluated: 2025-04-08. Review status: criteria provided, single submitter. Criteria: ACMG Guidelines, 2015. Collection method: clinical testing. Allele origin: germline.
Comment: The ATP6V0A1 c.2222G>A variant is predicted to result in the amino acid substitution p.Arg741Gln. This variant is alternatively referred to as c.2222G>A (p.Arg741Gln) using transcript NM_001130020.1. This variant has been reported as a recurrent de novo variant in multiple individuals with autism spectrum disorder or developmental and epileptic encephalopathy (see for examples, Table S1, McRae et al. 2017. PubMed ID: 28135719; Supplementary Data 3, Zhou et al. 2022. PubMed ID: 35982159; Bott et al. 2021. PubMed ID: 34909687; Aoto et al. 2021. PubMed ID: 33833240). This variant has not been reported in a large population database (gnomAD), indicating it is rare. An in vitro experimental study suggests this variant impairs endolysosome acidification and activity (Bott et al. 2021. PubMed ID: 34909687). This variant is interpreted as pathogenic.

Institute of Human Genetics, University of Leipzig Medical Center
Classification: Pathogenic for Developmental and epileptic encephalopathy 104. Last evaluated: 2025-03-31. Review status: criteria provided, single submitter. Criteria: ACMG Guidelines, 2015. Collection method: clinical testing. Allele origin: unknown. Inheritance: Autosomal dominant inheritance. Affected: yes.
Comment: Criteria applied: PM2,PP2,PP3,PS2_VSTR,PS3,PS4

3billion
Classification: Pathogenic for Developmental and epileptic encephalopathy 104. Last evaluated: 2024-12-10. Review status: criteria provided, single submitter. Criteria: ACMG Guidelines, 2015. Collection method: clinical testing. Allele origin: germline. Affected: yes.
Comment: The variant is not observed in the gnomAD v4.1.0 dataset. Predicted Consequence/Location: Missense variant Functional studies provide strong evidence of the variant having a damaging effect on the gene or gene product (PMID: 33833240, 34909687). In silico tool predictions suggest damaging effect of the variant on gene or gene product [REVEL: 0.96 (>=0.6, sensitivity 0.68 and specificity 0.92); 3Cnet: 0.88 (>=0.6, sensitivity 0.72 and precision 0.9)]. The same nucleotide change resulting in the same amino acid change has been previously reported as pathogenic/likely pathogenic with strong evidence (ClinVar ID: VCV000560227). The variant has been previously reported as de novo in at least two similarly affected unrelated individuals (PMID: 28135719, 33833240). The variant has been observed in multiple (>3) similarly affected unrelated individuals (PMID: 28135719, 33833240). Therefore, this variant is classified as Pathogenic according to the recommendation of ACMG/AMP guideline.

Blueprint Genetics
Classification: Pathogenic for ATP6V0A1-related disorders. Last evaluated: 2022-11-30. Review status: criteria provided, single submitter. Criteria: ACMG Guidelines, 2015. Collection method: clinical testing. Allele origin: germline. Affected: yes. Observed: 1 variant allele.

Ambry Genetics
Classification: Pathogenic for Inborn genetic diseases. Last evaluated: 2022-08-01. Review status: criteria provided, single submitter. Criteria: Ambry Variant Classification Scheme 2023. Collection method: clinical testing. Allele origin: germline.
Comment: The c.2222G>A (p.R741Q) alteration is located in exon 19 (coding exon 18) of the ATP6V0A1 gene. This alteration results from a G to A substitution at nucleotide position 2222, causing the arginine (R) at amino acid position 741 to be replaced by a glutamine (Q)._x000D_ _x000D_ for autosomal dominant ATP6V0A1-related developmental and epileptic encephalopathy; however, its clinical significance for autosomal recessive ATP6V0A1-related neurodevelopmental disorder is uncertain. This variant was not reported in population-based cohorts in the Genome Aggregation Database (gnomAD). This alteration, also known as c.2219G>A (p.R740Q), was reported de novo in ten patients with developmental and epileptic encephalopathy (Aoto, 2021; Bott, 2021). This amino acid position is highly conserved in available vertebrate species. The R741Q (aka R740Q) variant is located in a critical transmembrane domain that may inhibit glutamate deprotonation. In vitro functional studies of the R740Q variant demonstrated altered organelle acidification and failure of lysosomal hydrolysis impairing canonical proton-pumping V-ATPase function. In addition, homozygote nematodes carrying the corresponding R740Q mutation showed severe developmental arrest at early larval stage (Bott, 2021). This alteration is predicted to be deleterious by in silico analysis. Based on the available evidence, this alteration is classified as pathogenic.

Labcorp Genetics (formerly Invitae), Labcorp
Classification: Pathogenic. Last evaluated: 2022-04-20. Review status: criteria provided, single submitter. Criteria: Invitae Variant Classification Sherloc (09022015). Collection method: clinical testing. Allele origin: germline.
Comment: This sequence change replaces arginine, which is basic and polar, with glutamine, which is neutral and polar, at codon 741 of the ATP6V0A1 protein (p.Arg741Gln). This variant is not present in population databases (gnomAD no frequency). This missense change has been observed in individual(s) with ATP6V0A1-related conditions (PMID: 28135719, 33833240; Invitae). In at least one individual the variant was observed to be de novo. ClinVar contains an entry for this variant (Variation ID: 560227). Algorithms developed to predict the effect of missense changes on protein structure and function are either unavailable or do not agree on the potential impact of this missense change (SIFT: "Deleterious"; PolyPhen-2: "Probably Damaging"; Align-GVGD: "Class C0"). For these reasons, this variant has been classified as Pathogenic.

Institute of Human Genetics, University of Leipzig Medical Center
Classification: Likely pathogenic for Microcephaly; Seizure; Hypotonia; Global developmental delay; Large for gestational age. Last evaluated: 2022-03-29. Review status: criteria provided, single submitter. Criteria: ACMG Guidelines, 2015. Collection method: clinical testing. Allele origin: unknown. Affected: yes.
Comment: Criteria applied: PS3_MOD, PS4_MOD, PM2_SUP, PP2, PP3

Institute of Human Genetics, University of Leipzig Medical Center
Classification: Pathogenic for Autism; Intellectual disability; Ataxia; Lower limb spasticity; Focal-onset seizure; Severe global developmental delay. Last evaluated: 2022-03-22. Review status: criteria provided, single submitter. Criteria: ACMG Guidelines, 2015. Collection method: clinical testing. Allele origin: de novo. Affected: yes.
Comment: This variant was identified as de novo (maternity and paternity confirmed)._x000D_ Criteria applied: PS2_VSTR, PS4_MOD, PS3_SUP, PM2_SUP, PP2, PP3

Geisinger Autism and Developmental Medicine Institute, Geisinger Health System
Classification: Uncertain significance. Last evaluated: 2017-05-05. Review status: criteria provided, single submitter. Criteria: ACMG Guidelines, 2015. Collection method: provider interpretation, clinical testing. Allele origin: de novo. Observed: 1 variant allele.
Comment: The variant is absent from the gnomAD and ExAC databases, and it was found to be de novo (with maternity and paternity confirmed). Computational prediction models predict the variant would be damaging to protein structure and/or function. This is a gene of uncertain significance; no known human disorders have been clearly associated with this gene.

Undiagnosed Diseases Network, NIH
Classification: Pathogenic for Developmental and epileptic encephalopathy 104. Last evaluated: 2023-10-04. Review status: no assertion criteria provided. Collection method: clinical testing. Allele origin: de novo. Affected: yes. Observed: 1 variant allele, 1 heterozygote. Study: Undiagnosed Diseases Network (NIH), UDN. Not counted in ClinVar's aggregate classification.

OMIM
Classification: Pathogenic for DEVELOPMENTAL AND EPILEPTIC ENCEPHALOPATHY 104. Last evaluated: 2022-07-26. Review status: no assertion criteria provided. Collection method: literature only. Allele origin: germline. Not counted in ClinVar's aggregate classification.

Molecular Genetics laboratory, Necker Hospital
Classification: Likely pathogenic. Last evaluated: 2020-05-28. Review status: no assertion criteria provided. Collection method: clinical testing. Allele origin: de novo. Affected: yes. Not counted in ClinVar's aggregate classification.

Literature cited by the submitters: PubMed 28135719 (cited by 3 submitters); PubMed 33833240 (cited by 4 submitters); PubMed 34909687 (cited by 3 submitters).

NM_001130021.3(ATP6V0A1):c.2219G>A (p.Arg740Gln)

Gene: ATP6V0A1 (ATPase H+ transporting V0 subunit a1; plus strand). Cytogenetic location: 17q21.2.
Variant type: single nucleotide variant.
Coding change: c.2219G>A on transcript NM_001130021.3 (MANE Select); coding-DNA position 2219, G replaced by A.
Protein change: p.Arg740Gln; replaces arginine 740 with glutamine.
Molecular consequence: missense variant.
Genome position (GRCh38, 1-based): chr17:42,513,949, G>A. VCF-style: chr17-42513949-G-A. GRCh37 (hg19) VCF-style: chr17-40665967-G-A.
Other names: p.Arg741Gln; c.2222G>A, p.Arg741Gln (NM_001130020.3, NM_001378541.1); c.2240G>A, p.Arg747Gln (NM_001378522.1, NM_001378539.1); c.2114G>A, p.Arg705Gln (NM_001378523.1); c.2417G>A, p.Arg806Gln (NM_001378530.1); c.2363G>A, p.Arg788Gln (NM_001378531.1); c.2345G>A, p.Arg782Gln (NM_001378532.1); c.2342G>A, p.Arg781Gln (NM_001378533.1); and 16 more; short protein forms R741Q, R734Q, R740Q, R658Q, R663Q, R664Q, R669Q, R670Q.
Identifiers: ClinVar variation 560227 (VCV000560227.20), dbSNP rs1567871600, ClinGen allele CA399584957.